The following is an entry in ClinVar:

NM_001457.4(FLNB):c.2005A>T (p.Thr669Ser)

Gene: FLNB (filamin B; plus strand). Cytogenetic location: 3p14.3.
Variant type: single nucleotide variant.
Coding change: c.2005A>T on transcript NM_001457.4 (MANE Select); coding-DNA position 2005, A replaced by T.
Protein change: p.Thr669Ser; replaces threonine 669 with serine.
Molecular consequence: missense variant.
Genome position (GRCh38, 1-based): chr3:58,108,521, A>T. VCF-style: chr3-58108521-A-T. GRCh37 (hg19) VCF-style: chr3-58094248-A-T.
Other names: c.2005A>T, p.Thr669Ser (NM_001164317.2, NM_001164318.2, NM_001164319.2); short protein forms T669S.
Identifiers: ClinVar variation 4772514 (VCV004772514.1).

ClinVar aggregate classification (germline): Uncertain significance (1 of 4 stars; one submission).

gnomAD v4.1: 2 of 1,614,012 alleles (0.00012%); highest among the groups gnomAD compares: Non-Finnish European, 0.00017%; no homozygotes.

Submission:

Labcorp Genetics (formerly Invitae), Labcorp
Classification: Uncertain significance. Last evaluated: 2025-12-24. Review status: criteria provided, single submitter. Criteria: Invitae Variant Classification Sherloc (09022015). Collection method: clinical testing. Allele origin: germline.
Comment: This sequence change replaces threonine, which is neutral and polar, with serine, which is neutral and polar, at codon 669 of the FLNB protein (p.Thr669Ser). This variant is not present in population databases (gnomAD no frequency). This variant has not been reported in the literature in individuals affected with FLNB-related conditions. Invitae Evidence Modeling of protein sequence and biophysical properties (such as structural, functional, and spatial information, amino acid conservation, physicochemical variation, residue mobility, and thermodynamic stability) indicates that this missense variant is not expected to disrupt FLNB protein function with a negative predictive value of 95%. In summary, the available evidence is currently insufficient to determine the role of this variant in disease. Therefore, it has been classified as a Variant of Uncertain Significance.